The following is an entry in ClinVar:

NM_017757.3(ZNF407):c.1811G>C (p.Arg604Thr)

Gene: ZNF407 (zinc finger protein 407; plus strand). Cytogenetic location: 18q22.3.
Variant type: single nucleotide variant.
Coding change: c.1811G>C on transcript NM_017757.3 (MANE Select); coding-DNA position 1811, G replaced by C.
Protein change: p.Arg604Thr; replaces arginine 604 with threonine.
Molecular consequence: missense variant.
Genome position (GRCh38, 1-based): chr18:74,632,830, G>C. VCF-style: chr18-74632830-G-C. GRCh37 (hg19) VCF-style: chr18-72344786-G-C.
Other names: c.1811G>C, p.Arg604Thr (NM_001146189.1, NM_001146190.1, NM_001384475.1); short protein forms R604T.
Identifiers: ClinVar variation 1804461 (VCV001804461.1), dbSNP rs753726742, ClinGen allele CA9000432.

ClinVar aggregate classification (germline): Uncertain significance (1 of 4 stars; one submission).

Allele frequency attached by ClinVar (database versions not stated): ExAC 0.00001; gnomAD exomes 0.00001.
gnomAD v4.1: 12 of 1,613,810 alleles (0.00074%); highest among the groups gnomAD compares: Non-Finnish European, 0.001%; no homozygotes.

Submission:

GeneDx
Classification: Uncertain significance. Last evaluated: 2022-06-16. Review status: criteria provided, single submitter. Criteria: GeneDx Variant Classification Process June 2021. Collection method: clinical testing. Allele origin: germline. Affected: yes.
Comment: Not observed at significant frequency in large population cohorts (gnomAD); In silico analysis supports that this missense variant does not alter protein structure/function; Has not been previously published as pathogenic or benign to our knowledge